The following is an entry in ClinVar:

ClinVar aggregate classification (germline): Pathogenic/Likely pathogenic. Review status: criteria provided, multiple submitters, no conflicts (2 of 4 stars). 4 submissions from 4 submitters: Pathogenic (1); Likely pathogenic (2). 1 of the submissions does not count toward it. Last evaluated 2024-04-12.

Conditions:
Congenital stationary night blindness 1G. Identifiers: Orphanet 215, MedGen C4225345, MONDO:0014614, OMIM 616389.
GNAT1-related disorder. Also called: GNAT1-related condition.

Allele frequency attached by ClinVar (database versions not stated): gnomAD exomes 0.00002 and 0.00008; TOPMed 0.00002; gnomAD 0.00003; ExAC 0.00004; ESP Exome Variant Server 0.00008.
gnomAD v4.1: 112 of 1,613,818 alleles (0.0069%); highest among the groups gnomAD compares: Non-Finnish European, 0.0092%; no homozygotes.

Submissions (4):

Blueprint Genetics
Classification: Likely pathogenic for GNAT1-related disorders. Last evaluated: 2024-04-12. Review status: criteria provided, single submitter. Criteria: ACMG Guidelines, 2015. Collection method: clinical testing. Allele origin: germline. Affected: yes. Observed: 5 variant alleles.

Labcorp Genetics (formerly Invitae), Labcorp
Classification: Pathogenic. Last evaluated: 2024-03-12. Review status: criteria provided, single submitter. Criteria: Invitae Variant Classification Sherloc (09022015). Collection method: clinical testing. Allele origin: germline.
Comment: This sequence change creates a premature translational stop signal (p.Gln302*) in the GNAT1 gene. It is expected to result in an absent or disrupted protein product. Loss-of-function variants in GNAT1 are known to be pathogenic (PMID: 11095744, 31736247). This variant is present in population databases (rs374913800, gnomAD 0.005%). This premature translational stop signal has been observed in individual(s) with autosomal recessive retinal dystrophy (PMID: 26472407, 27624628). This variant has been reported in individual(s) with autosomal dominant night blindness (Invitae); however, the role of the variant in this condition is currently unclear. ClinVar contains an entry for this variant (Variation ID: 488669). For these reasons, this variant has been classified as Pathogenic.

GeneDx
Classification: Likely pathogenic. Last evaluated: 2022-03-09. Review status: criteria provided, single submitter. Criteria: GeneDx Variant Classification Process June 2021. Collection method: clinical testing. Allele origin: germline. Affected: yes.
Comment: Nonsense variant in the C-terminus predicted to result in protein truncation, as the last 49 amino acids are lost, and other loss-of-function variants have been reported downstream in HGMD; This variant is associated with the following publications: (PMID: 31589614, 26472407, 27624628, 27977773, 29850563, 26822852, 31736247)

OMIM
Classification: Pathogenic for NIGHT BLINDNESS, CONGENITAL STATIONARY, TYPE 1G. Last evaluated: 2018-02-07. Review status: no assertion criteria provided. Collection method: literature only. Allele origin: germline. Not counted in ClinVar's aggregate classification.

Literature cited by the submitters: PubMed 11095744 (cited by Labcorp Genetics (formerly Invitae), Labcorp); PubMed 31736247 (cited by Labcorp Genetics (formerly Invitae), Labcorp); PubMed 26472407 (cited by Labcorp Genetics (formerly Invitae), Labcorp and OMIM); PubMed 27624628 (cited by Labcorp Genetics (formerly Invitae), Labcorp).

NM_144499.3(GNAT1):c.904C>T (p.Gln302Ter)

Gene: GNAT1 (G protein subunit alpha transducin 1; plus strand). Cytogenetic location: 3p21.31.
Variant type: single nucleotide variant.
Coding change: c.904C>T on transcript NM_144499.3 (MANE Select); coding-DNA position 904, C replaced by T.
Protein change: p.Gln302Ter; replaces glutamine 302 with a stop codon.
Molecular consequence: nonsense.
Genome position (GRCh38, 1-based): chr3:50,194,806, C>T. VCF-style: chr3-50194806-C-T. GRCh37 (hg19) VCF-style: chr3-50232239-C-T.
Other names: c.904C>T, p.Gln302Ter (NM_000172.4); short protein forms Q302*.
Identifiers: ClinVar variation 488669 (VCV000488669.14), dbSNP rs374913800, ClinGen allele CA2412765.
Genomic context (GRCh38, chr3:50,194,806, plus strand): 5'-AGAGCTCCCGCCCCCGCAGGACCCAACACCTACGAGGACGCCGGCAACTACATCAAGGTG[C>T]AGTTCCTCGAGCTCAACATGCGGCGCGACGTGAAGGAGATCTATTCCCACATGACGTGCG-3'